The following is an entry in ClinVar:

ClinVar aggregate classification (germline): Uncertain significance (1 of 4 stars; one submission).

Conditions:
Autosomal dominant nonsyndromic hearing loss 65. Also called: Deafness, autosomal dominant 65; TBC1D24-Related Autosomal Dominant Nonsyndromic Hearing Loss (DFNA). Identifiers: Orphanet 90635, MedGen C3892048, MONDO:0014470, OMIM 616044.
Developmental and epileptic encephalopathy, 1 (DEE1). Also called: INFANTILE SPASM SYNDROME, X-LINKED 1; X-linked infantile spasms; West's syndrome; Tonic spasms with clustering, arrest of psychomotor development and hypsarrhythmia on EEG; X-Linked Infantile Spasm Syndrome; OHTAHARA SYNDROME, X-LINKED. Identifiers: MedGen C3463992, MONDO:0010632, OMIM 308350. Disease mechanism: loss of function.

Submission:

Labcorp Genetics (formerly Invitae), Labcorp
Classification: Uncertain significance for Developmental and epileptic encephalopathy, 1; Autosomal dominant nonsyndromic hearing loss 65. Last evaluated: 2025-04-08. Review status: criteria provided, single submitter. Criteria: Invitae Variant Classification Sherloc (09022015). Collection method: clinical testing. Allele origin: germline.
Comment: This sequence change replaces proline, which is neutral and non-polar, with serine, which is neutral and polar, at codon 481 of the TBC1D24 protein (p.Pro481Ser). This variant is not present in population databases (gnomAD no frequency). This variant has not been reported in the literature in individuals affected with TBC1D24-related conditions. Invitae Evidence Modeling of protein sequence and biophysical properties (such as structural, functional, and spatial information, amino acid conservation, physicochemical variation, residue mobility, and thermodynamic stability) has been performed for this missense variant. However, the output from this modeling did not meet the statistical confidence thresholds required to predict the impact of this variant on TBC1D24 protein function. In summary, the available evidence is currently insufficient to determine the role of this variant in disease. Therefore, it has been classified as a Variant of Uncertain Significance.

NM_001199107.2(TBC1D24):c.1441C>T (p.Pro481Ser)

Gene: TBC1D24 (TBC1 domain family member 24; plus strand). Cytogenetic location: 16p13.3.
Variant type: single nucleotide variant.
Coding change: c.1441C>T on transcript NM_001199107.2 (MANE Select); coding-DNA position 1441, C replaced by T.
Protein change: p.Pro481Ser; replaces proline 481 with serine.
Molecular consequence: missense variant.
Genome position (GRCh38, 1-based): chr16:2,500,406, C>T. VCF-style: chr16-2500406-C-T. GRCh37 (hg19) VCF-style: chr16-2550407-C-T.
Other names: c.1423C>T, p.Pro475Ser (NM_020705.3); short protein forms P475S, P481S.
Identifiers: ClinVar variation 4812328 (VCV004812328.1).